The following is an entry in ClinVar:

ClinVar aggregate classification (germline): Uncertain significance (1 of 4 stars; one submission).

Conditions:
Inborn genetic diseases. Identifiers: MedGen C0950123, MeSH D030342.

Submission:

Ambry Genetics
Classification: Uncertain significance for Inborn genetic diseases. Last evaluated: 2022-07-05. Review status: criteria provided, single submitter. Criteria: Ambry Variant Classification Scheme 2023. Collection method: clinical testing. Allele origin: germline.
Comment: The p.K831E variant (also known as c.2491A>G), located in coding exon 19 of the LRRK2 gene, results from an A to G substitution at nucleotide position 2491. The lysine at codon 831 is replaced by glutamic acid, an amino acid with similar properties. This amino acid position is conserved. In addition, the in silico prediction for this alteration is inconclusive. Since supporting evidence is limited at this time, the clinical significance of this alteration remains unclear.

NM_198578.4(LRRK2):c.2491A>G (p.Lys831Glu)

Gene: LRRK2 (leucine rich repeat kinase 2; plus strand). Cytogenetic location: 12q12.
Variant type: single nucleotide variant.
Coding change: c.2491A>G on transcript NM_198578.4 (MANE Select); coding-DNA position 2491, A replaced by G.
Protein change: p.Lys831Glu; replaces lysine 831 with glutamic acid.
Molecular consequence: missense variant.
Genome position (GRCh38, 1-based): chr12:40,284,124, A>G. VCF-style: chr12-40284124-A-G. GRCh37 (hg19) VCF-style: chr12-40677926-A-G.
Other names: short protein forms K831E.
Identifiers: ClinVar variation 1792075 (VCV001792075.2), dbSNP rs2499665580, ClinGen allele CA384407625.